The following is an entry in ClinVar:

NM_025179.4(PLXNA2):c.3794G>A (p.Arg1265Gln)

Gene: PLXNA2 (plexin A2; minus strand). Cytogenetic location: 1q32.2.
Variant type: single nucleotide variant.
Coding change: c.3794G>A on transcript NM_025179.4 (MANE Select); coding-DNA position 3794, G replaced by A.
Protein change: p.Arg1265Gln; replaces arginine 1265 with glutamine.
Molecular consequence: missense variant.
Genome position (GRCh38, 1-based): chr1:208,044,588, C>T on the plus strand (G>A on the coding strand, the complement: PLXNA2 is on the minus strand). VCF-style: chr1-208044588-C-T. GRCh37 (hg19) VCF-style: chr1-208217933-C-T.
Other names: short protein forms R1265Q.
Identifiers: ClinVar variation 3032037 (VCV003032037.3), dbSNP rs747525104, ClinGen allele CA1373068.

ClinVar aggregate classification (germline): Uncertain significance. Review status: criteria provided, single submitter (1 of 4 stars). 2 submissions from 2 submitters: Uncertain significance (1). 1 of the submissions does not count toward it. Last evaluated 2025-12-15.

Conditions:
PLXNA2-related disorder. Also called: PLXNA2-related condition.

Allele frequency attached by ClinVar (database versions not stated): TOPMed 0.00003; ExAC 0.00007; gnomAD 0.00001; gnomAD exomes 0.00002.
gnomAD v4.1: 34 of 1,613,990 alleles (0.0021%); highest among the groups gnomAD compares: Admixed American, 0.005%; no homozygotes.

Submissions (2):

Ambry Genetics
Classification: Uncertain significance. Last evaluated: 2025-12-15. Review status: criteria provided, single submitter. Criteria: Ambry Variant Classification Scheme 2023. Collection method: clinical testing. Allele origin: germline.

PreventionGenetics, part of Exact Sciences
Classification: Uncertain significance for PLXNA2-related condition. Last evaluated: 2024-02-05. Review status: no assertion criteria provided. Collection method: clinical testing. Allele origin: germline. Not counted in ClinVar's aggregate classification.
Comment: The PLXNA2 c.3794G>A variant is predicted to result in the amino acid substitution p.Arg1265Gln. To our knowledge, this variant has not been reported in the literature. This variant is reported in 0.0087% of alleles in individuals of Latino descent in gnomAD. At this time, the clinical significance of this variant is uncertain due to the absence of conclusive functional and genetic evidence.